The following is an entry in ClinVar:

ClinVar aggregate classification (germline): Uncertain significance. Review status: criteria provided, multiple submitters, no conflicts (2 of 4 stars). 3 submissions from 3 submitters: Uncertain significance (2). 1 of the submissions does not count toward it. Last evaluated 2022-02-04.

Conditions:
Alstrom syndrome (ALMS). Identifiers: Orphanet 64, MedGen C0268425, MONDO:0008763, OMIM 203800.

Allele frequency attached by ClinVar (database versions not stated): gnomAD exomes below 0.00001 and 0.00001; ExAC 0.00002; gnomAD 0.00001; TOPMed 0.00001.
gnomAD v4.1: 2 of 1,613,906 alleles (0.00012%); highest among the groups gnomAD compares: African/African-American, 0.0027%; no homozygotes.

Submissions (3):

Labcorp Genetics (formerly Invitae), Labcorp
Classification: Uncertain significance for Alstrom syndrome. Last evaluated: 2022-02-04. Review status: criteria provided, single submitter. Criteria: Invitae Variant Classification Sherloc (09022015). Collection method: clinical testing. Allele origin: germline.
Comment: This sequence change replaces glutamic acid, which is acidic and polar, with lysine, which is basic and polar, at codon 322 of the ALMS1 protein (p.Glu322Lys). This variant is present in population databases (rs763730338, gnomAD 0.007%). This variant has not been reported in the literature in individuals affected with ALMS1-related conditions. ClinVar contains an entry for this variant (Variation ID: 1045996). Experimental studies and prediction algorithms are not available or were not evaluated, and the functional significance of this variant is currently unknown. In summary, the available evidence is currently insufficient to determine the role of this variant in disease. Therefore, it has been classified as a Variant of Uncertain Significance.

Fulgent Genetics
Classification: Uncertain significance for Alstrom syndrome. Last evaluated: 2021-10-11. Review status: criteria provided, single submitter. Criteria: ACMG Guidelines, 2015. Collection method: clinical testing. Allele origin: unknown.

Natera, Inc.
Classification: Uncertain significance for Alstrom syndrome. Last evaluated: 2021-04-27. Review status: no assertion criteria provided. Collection method: clinical testing. Allele origin: germline. Not counted in ClinVar's aggregate classification.

NM_001378454.1(ALMS1):c.961G>A (p.Glu321Lys)

Gene: ALMS1 (ALMS1 centrosome and basal body associated protein; plus strand). Cytogenetic location: 2p13.1.
Variant type: single nucleotide variant.
Coding change: c.961G>A on transcript NM_001378454.1 (MANE Select); coding-DNA position 961, G replaced by A.
Protein change: p.Glu321Lys; replaces glutamic acid 321 with lysine.
Molecular consequence: missense variant.
Genome position (GRCh38, 1-based): chr2:73,424,626, G>A. VCF-style: chr2-73424626-G-A. GRCh37 (hg19) VCF-style: chr2-73651754-G-A.
Other names: c.964G>A, p.Glu322Lys (NM_015120.4); short protein forms E321K, E322K.
Identifiers: ClinVar variation 1045996 (VCV001045996.11), dbSNP rs763730338, ClinGen allele CA1713021.